The following is an entry in ClinVar:

ClinVar aggregate classification (germline): Uncertain significance. Review status: criteria provided, multiple submitters, no conflicts (2 of 4 stars). 2 submissions from 2 submitters: Uncertain significance (2). Last evaluated 2022-11-11.

Conditions:
Dyskeratosis congenita, autosomal dominant 2. Identifiers: MedGen C3151443, MONDO:0013521, OMIM 613989.
Idiopathic Pulmonary Fibrosis. Also called: Idiopathic fibrosing alveolitis, chronic form; idiopathic fibrosing alveolitis. Identifiers: Orphanet 2032, MedGen C1800706, MeSH D054990, MONDO:0800504.
Dyskeratosis congenita. Identifiers: Orphanet 1775, MedGen C0265965, MONDO:0015780.

gnomAD v4.1: 2 of 1,612,184 alleles (0.00012%); highest among the groups gnomAD compares: South Asian, 0.0022%; no homozygotes.

Submissions (2):

Ambry Genetics
Classification: Uncertain significance for Dyskeratosis congenita. Last evaluated: 2022-11-11. Review status: criteria provided, single submitter. Criteria: Ambry Variant Classification Scheme 2023. Collection method: clinical testing. Allele origin: germline.
Comment: The p.A1118S variant (also known as c.3352G>T), located in coding exon 16 of the TERT gene, results from a G to T substitution at nucleotide position 3352. The alanine at codon 1118 is replaced by serine, an amino acid with similar properties. This amino acid position is conserved. In addition, the in silico prediction for this alteration is inconclusive. Since supporting evidence is limited at this time, the clinical significance of this alteration remains unclear.

Labcorp Genetics (formerly Invitae), Labcorp
Classification: Uncertain significance for Dyskeratosis congenita, autosomal dominant 2; Idiopathic Pulmonary Fibrosis. Last evaluated: 2021-02-09. Review status: criteria provided, single submitter. Criteria: Invitae Variant Classification Sherloc (09022015). Collection method: clinical testing. Allele origin: germline.
Comment: In summary, the available evidence is currently insufficient to determine the role of this variant in disease. Therefore, it has been classified as a Variant of Uncertain Significance. Advanced modeling of protein sequence and biophysical properties (such as structural, functional, and spatial information, amino acid conservation, physicochemical variation, residue mobility, and thermodynamic stability) performed at Invitae indicates that this missense variant is expected to disrupt TERT protein function. This variant has not been reported in the literature in individuals with TERT-related conditions. This variant is not present in population databases (ExAC no frequency). This sequence change replaces alanine with serine at codon 1118 of the TERT protein (p.Ala1118Ser). The alanine residue is moderately conserved and there is a moderate physicochemical difference between alanine and serine.

NM_198253.3(TERT):c.3352G>T (p.Ala1118Ser)

Gene: TERT (telomerase reverse transcriptase; minus strand). Cytogenetic location: 5p15.33.
Variant type: single nucleotide variant.
Coding change: c.3352G>T on transcript NM_198253.3 (MANE Select); coding-DNA position 3352, G replaced by T.
Protein change: p.Ala1118Ser; replaces alanine 1118 with serine.
Molecular consequence: missense variant. On other transcripts: non-coding transcript variant (2).
Genome position (GRCh38, 1-based): chr5:1,253,775, C>A on the plus strand (G>T on the coding strand, the complement: TERT is on the minus strand). VCF-style: chr5-1253775-C-A. GRCh37 (hg19) VCF-style: chr5-1253890-C-A.
Other names: c.3352G>T (NM_198253.2); c.3163G>T, p.Ala1055Ser (NM_001193376.3); short protein forms A1055S, A1118S.
Identifiers: ClinVar variation 1399501 (VCV001399501.10), dbSNP rs756628621, ClinGen allele CA359066668.